The following is an entry in ClinVar:

NM_001384474.1(LOXHD1):c.3453C>G (p.Ser1151Arg)

Gene: LOXHD1 (lipoxygenase homology PLAT domains 1; minus strand). Cytogenetic location: 18q21.1.
Variant type: single nucleotide variant.
Coding change: c.3453C>G on transcript NM_001384474.1 (MANE Select); coding-DNA position 3453, C replaced by G.
Protein change: p.Ser1151Arg; replaces serine 1151 with arginine.
Molecular consequence: missense variant. On other transcripts: 5 prime UTR variant (1).
Genome position (GRCh38, 1-based): chr18:46,546,956, G>C on the plus strand (C>G on the coding strand, the complement: LOXHD1 is on the minus strand). VCF-style: chr18-46546956-G-C. GRCh37 (hg19) VCF-style: chr18-44126919-G-C.
Other names: c.120C>G, p.Ser40Arg (NM_001145472.3); c.-169C>G (NM_001308013.2); c.3453C>G, p.Ser1151Arg (NM_144612.7); short protein forms S40R, S1151R.
Identifiers: ClinVar variation 4088018 (VCV004088018.2).

ClinVar aggregate classification (germline): Uncertain significance (1 of 4 stars; one submission).

gnomAD v4.1: 1 of 1,551,564 alleles (0.000064%); highest among the groups gnomAD compares: African/African-American, 0.0014%; no homozygotes.

Submission:

GeneDx
Classification: Uncertain significance. Last evaluated: 2026-07-19. Review status: criteria provided, single submitter. Criteria: GeneDx Variant Classification Process June 2021. Collection method: clinical testing. Allele origin: germline.
Comment: Not observed at significant frequency in large population cohorts (gnomAD); In silico analysis indicates that this missense variant does not alter protein structure/function; Has not been previously published as pathogenic or benign to our knowledge